The following is an entry in ClinVar:

NM_001844.5(COL2A1):c.3184G>C (p.Gly1062Arg)

Gene: COL2A1 (collagen type II alpha 1 chain; minus strand). Cytogenetic location: 12q13.11.
Variant type: single nucleotide variant.
Coding change: c.3184G>C on transcript NM_001844.5 (MANE Select); coding-DNA position 3184, G replaced by C.
Protein change: p.Gly1062Arg; replaces glycine 1062 with arginine.
Molecular consequence: missense variant.
Genome position (GRCh38, 1-based): chr12:47,977,409, C>G on the plus strand (G>C on the coding strand, the complement: COL2A1 is on the minus strand). VCF-style: chr12-47977409-C-G. GRCh37 (hg19) VCF-style: chr12-48371192-C-G.
Other names: c.2977G>C, p.Gly993Arg (NM_033150.3); short protein forms G1062R, G993R.
Identifiers: ClinVar variation 5019867 (VCV005019867.1).

ClinVar aggregate classification (germline): Likely pathogenic (1 of 4 stars; one submission).

Conditions:
Spondyloepiphyseal dysplasia with metatarsal shortening. Also called: CZECH DYSPLASIA, METATARSAL TYPE; SPONDYLOEPIPHYSEAL DYSPLASIA WITH PRECOCIOUS OSTEOARTHRITIS; Pseudorheumatoid dysplasia progressive, with hypoplastic toes. Identifiers: Orphanet 137678, MedGen C1836683, MONDO:0012206, OMIM 609162.
Spondyloperipheral dysplasia. Also called: SPONDYLOPERIPHERAL DYSPLASIA WITH SHORT ULNA; Spondyloperipheral dysplasia-short ulna syndrome. Identifiers: Orphanet 1856, MedGen C0796173, MONDO:0010078, OMIM 271700.
Stickler syndrome type 1 (STL1). Also called: STICKLER SYNDROME, MEMBRANOUS VITREOUS TYPE; STICKLER SYNDROME, VITREOUS TYPE 1; ARTHROOPHTHALMOPATHY, HEREDITARY PROGRESSIVE; COL2A1-Related Stickler Syndrome. Identifiers: Orphanet 828, Orphanet 90653, MedGen C2020284, MONDO:0007160, OMIM 108300.
Platyspondylic dysplasia, Torrance type (PLSDT). Identifiers: Orphanet 85166, MedGen C1835437, MONDO:0007895, OMIM 151210.
Achondrogenesis type II (ACG2). Also called: CHONDROGENESIS IMPERFECTA; ACHONDROGENESIS, LANGER-SALDINO TYPE. Identifiers: Orphanet 932, Orphanet 93296, MedGen C0220685, MONDO:0008702, OMIM 200610.
Spondyloepimetaphyseal dysplasia, Strudwick type (SEMDSTWK). Also called: STRUDWICK SYNDROME; DAPPLED METAPHYSIS SYNDROME. Identifiers: Orphanet 93346, MedGen C0700635, MONDO:0008476, OMIM 184250.
Avascular necrosis of femoral head, primary, 1 (ANFH1). Also called: Avascular necrosis of femoral head, primary. Identifiers: Orphanet 86820, MedGen C4551562, MONDO:0054550, OMIM 608805.
Legg-Calve-Perthes disease. Also called: Avascular necrosis of the capital femoral epiphysis; PERTHES DISEASE; Osteochondritis deformans; Coxa plana. Identifiers: Orphanet 2380, MedGen C1442965, MONDO:0007885, OMIM 150600, HP:0005743.
Spondylometaphyseal dysplasia, Schmidt type (SMDALG). Also called: SPONDYLOMETAPHYSEAL DYSPLASIA WITH SEVERE GENU VALGUM; SPONDYLOMETAPHYSEAL DYSPLASIA, ALGERIAN TYPE. Identifiers: Orphanet 93316, MedGen C1866688, MONDO:0008478, OMIM 184253.
Stickler syndrome, type I, nonsyndromic ocular. Also called: STICKLER SYNDROME, TYPE I, PREDOMINANTLY OCULAR; STICKLER SYNDROME, ATYPICAL. Identifiers: MedGen C1836080, MONDO:0012287, OMIM 609508.
Vitreoretinopathy with phalangeal epiphyseal dysplasia (VPED). Identifiers: MedGen C1852989, MONDO:0031001, OMIM 619248.
Kniest dysplasia. Identifiers: Orphanet 485, MedGen C0265279, MONDO:0007987, OMIM 156550.
Spondyloepiphyseal dysplasia, Stanescu type. Also called: SED, STANESCU TYPE; SPONDYLOEPIMETAPHYSEAL DYSPLASIA, STANESCU TYPE. Identifiers: Orphanet 459051, MedGen C4225273, MONDO:0014701, OMIM 616583.
Spondyloepiphyseal dysplasia congenita (SEDC). Also called: SPONDYLOEPIPHYSEAL DYSPLASIA, CONGENITAL TYPE; SED CONGENITA. Identifiers: Orphanet 94068, MedGen C2745959, MONDO:0008471, OMIM 183900.
Multiple epiphyseal dysplasia, Beighton type. Identifiers: Orphanet 166011, MedGen C1851536, MONDO:0007562, OMIM 132450.
Namaqualand hip dysplasia (OSCDP). Also called: Mild spondyloepiphyseal dysplasia due to COL2A1 mutation with early-onset osteoarthritis. Identifiers: Orphanet 93279, MedGen C0432214, MONDO:0011496, OMIM 604864.

Submission:

Juno Genomics, Hangzhou Juno Genomics, Inc
Classification: Likely pathogenic for Vitreoretinopathy with phalangeal epiphyseal dysplasia; Achondrogenesis type II; Avascular necrosis of femoral head, primary, 1; Spondyloepiphyseal dysplasia with metatarsal shortening; Multiple epiphyseal dysplasia, Beighton type; Kniest dysplasia; Legg-Calve-Perthes disease; Namaqualand hip dysplasia; Platyspondylic dysplasia, Torrance type; Spondyloepiphyseal dysplasia congenita; Spondyloepimetaphyseal dysplasia, Strudwick type; Spondyloepiphyseal dysplasia, Stanescu type; Spondylometaphyseal dysplasia, Schmidt type; Spondyloperipheral dysplasia; Stickler syndrome type 1; Stickler syndrome, type I, nonsyndromic ocular. Review status: criteria provided, single submitter. Criteria: ACMG Guidelines, 2015. Collection method: clinical testing. Allele origin: germline. Affected: yes.
Comment: Absent from controls (or at extremely low frequency if recessive) in Genome Aggregation Database.;De novo (both maternity and paternity confirmed) in a patient with the disease and no family history.;Multiple lines of computational evidence support a deleterious effect on the gene or gene product.;Missense variant in a gene that has a low rate of benign missense variation.